The following is an entry in ClinVar:

ClinVar aggregate classification (germline): Pathogenic (1 of 4 stars; one submission).

Submission:

Labcorp Genetics (formerly Invitae), Labcorp
Classification: Pathogenic. Last evaluated: 2021-11-12. Review status: criteria provided, single submitter. Criteria: Invitae Variant Classification Sherloc (09022015). Collection method: clinical testing. Allele origin: germline.
Comment: This sequence change creates a premature translational stop signal (p.Phe405Serfs*7) in the STAMBP gene. While this is not anticipated to result in nonsense mediated decay, it is expected to disrupt the last 20 amino acid(s) of the STAMBP protein. This variant is present in population databases (rs766118409, gnomAD 0.002%). This variant has not been reported in the literature in individuals affected with STAMBP-related conditions. This variant disrupts a region of the STAMBP protein in which other variant(s) (p.Arg424*) have been determined to be pathogenic (PMID: 23542699). This suggests that this is a clinically significant region of the protein, and that variants that disrupt it are likely to be disease-causing. For these reasons, this variant has been classified as Pathogenic.

Literature cited by the submitters: PubMed 23542699.

NM_213622.4(STAMBP):c.1214del (p.Phe405fs)

Gene: STAMBP (STAM binding protein; plus strand). Cytogenetic location: 2p13.1.
Variant type: Deletion.
Coding change: c.1214del on transcript NM_213622.4 (MANE Select); coding-DNA position 1214, one base deleted (T; older notation c.1214delT).
Protein change: p.Phe405fs; shifts the reading frame from phenylalanine 405.
Molecular consequence: frameshift variant. On other transcripts: non-coding transcript variant (4).
Genome position (GRCh38, 1-based): chr2:73,860,147, T deleted; the last of 2 consecutive T bases (chr2:73,860,146-73,860,147); deleting either gives the same sequence. VCF-style (leftmost placement, unchanged base first): chr2-73860145-GT-G. GRCh37 (hg19) VCF-style: chr2-74087272-GT-G.
Other names: c.1214del, p.Phe405fs (NM_001353967.2, NM_001353968.2, NM_001353969.2 and 3 more transcripts); c.809del, p.Phe270fs (NM_001353971.2, NM_001353972.2, NM_001353973.2 and 3 more transcripts); short protein forms F270fs, F405fs.
Identifiers: ClinVar variation 1366374 (VCV001366374.6), dbSNP rs766118409, ClinGen allele CA1717734.